The following is an entry in ClinVar:

NM_006941.4(SOX10):c.429-9dup

Genes: POLR2F (RNA polymerase II, I and III subunit F; plus strand), SOX10 (SRY-box transcription factor 10; minus strand). Cytogenetic location: 22q13.1.
Variant type: Duplication.
Coding change: c.429-9dup on transcript NM_006941.4 (MANE Select); 9 bases into the intron before coding-DNA position 429, one base duplicated (A; older notation c.429-9dupA).
Molecular consequence: intron variant.
Genome position (GRCh38, 1-based): chr22:37,978,144, T duplicated on the plus strand (A on the coding strand, the reverse complement: SOX10 is on the minus strand). VCF-style (leftmost placement, unchanged base first): chr22-37978143-G-GT. GRCh37 (hg19) VCF-style: chr22-38374150-G-GT.
Other names: c.*38+5834dup (NM_001363825.1); c.294-8010dup (NM_001301130.2); c.293+10974dup (NM_001301131.2).
Identifiers: ClinVar variation 3602557 (VCV003602557.1).

ClinVar aggregate classification (germline): Uncertain significance (1 of 4 stars; one submission).

Submission:

GeneDx
Classification: Uncertain significance. Last evaluated: 2024-08-01. Review status: criteria provided, single submitter. Criteria: GeneDx Variant Classification Process June 2021. Collection method: clinical testing. Allele origin: germline. Affected: yes.
Comment: Not observed at significant frequency in large population cohorts (gnomAD); In silico analysis supports a deleterious effect on splicing; Has not been previously published as pathogenic or benign to our knowledge